The following is an entry in ClinVar:

ClinVar aggregate classification (germline): Uncertain significance. Review status: no assertion criteria provided (0 of 4 stars). 2 submissions from 2 submitters: Uncertain significance (2). Last evaluated 2025-03-24.

Conditions:
Leber congenital amaurosis (LCA). Also called: Leber's amaurosis. Identifiers: Orphanet 65, MedGen C0339527, MeSH D057130, MONDO:0018998.
CEP290-related disorder. Also called: CEP290-related condition; CEP290-related disorders. Identifiers: MedGen CN239314.

gnomAD v4.1: 5 of 1,598,924 alleles (0.00031%); highest among the groups gnomAD compares: African/African-American, 0.0054%; no homozygotes.

Submissions (2):

Natera, Inc.
Classification: Uncertain significance for Leber congenital amaurosis. Last evaluated: 2025-03-24. Review status: no assertion criteria provided. Collection method: clinical testing. Allele origin: germline.

PreventionGenetics, part of Exact Sciences
Classification: Uncertain significance for CEP290-related condition. Last evaluated: 2024-05-07. Review status: no assertion criteria provided. Collection method: clinical testing. Allele origin: germline.
Comment: The CEP290 c.6312G>C variant is predicted to result in the amino acid substitution p.Lys2104Asn. To our knowledge, this variant has not been reported in the literature or in a large population database, indicating this variant is rare. At this time, the clinical significance of this variant is uncertain due to the absence of conclusive functional and genetic evidence.

NM_025114.4(CEP290):c.6312G>C (p.Lys2104Asn)

Genes: CEP290 (centrosomal protein 290; minus strand), LOC129390514 (MPRA-validated peak1864 silencer; plus strand). Cytogenetic location: 12q21.32.
Variant type: single nucleotide variant.
Coding change: c.6312G>C on transcript NM_025114.4 (MANE Select); coding-DNA position 6312, G replaced by C.
Protein change: p.Lys2104Asn; replaces lysine 2104 with asparagine.
Molecular consequence: missense variant.
Genome position (GRCh38, 1-based): chr12:88,062,737, C>G on the plus strand (G>C on the coding strand, the complement: CEP290 is on the minus strand). VCF-style: chr12-88062737-C-G. GRCh37 (hg19) VCF-style: chr12-88456514-C-G.
Other names: short protein forms K2104N.
Identifiers: ClinVar variation 3353125 (VCV003353125.2).
Genomic context (GRCh38, chr12:88,062,737, plus strand): 5'-TAAATTCTCACATACCCCTCTAACATGGCCAAGTTTCCGCTGAACTTCTGCTTTTTCTTT[C>G]TTAAGAAATTCACACATTTCCTTCAAATCTCTGACTTGATTCTGAAAGATAACAAGCAAA-3'
Protein context (NP_079390.3, residues 2094-2114): RDLKEMCEFL[Lys2104Asn]KEKAEVQRKL